The following is an entry in ClinVar:

ClinVar aggregate classification (germline): Uncertain significance (1 of 4 stars; one submission).

Submission:

ISCA site 4
Classification: Uncertain significance. Last evaluated: 2011-08-12. Review status: criteria provided, single submitter. Criteria: Kaminsky et al. (Genet Med. 2011). Collection method: clinical testing. Allele origin: unknown. Affected: yes. Observed: 1 variant allele.
Comment: Copy number variation identified through the course of routine clinical cytogenomic testing in postnatal populations. Clinical assertions have been curated as described in Kaminsky et al. 2011.

GRCh38/hg38 3p14.2(chr3:60102627-60855742)x1

Genes: FHIT (fragile histidine triad diadenosine triphosphatase; minus strand), MIR548BB (microRNA 548bb; minus strand), LOC107325936 (origin of replication at fragile site FRA3B; plus strand). Cytogenetic location: 3p14.2.
Variant type: copy number loss.
Change: copy number 1 (one copy instead of two) of chr3:60,102,627-60,855,742 (753.1 kb, GRCh38 coordinates, 1-based), cytogenetic band 3p14.2.
Identifiers: ClinVar variation 57355 (VCV000057355.1).